The following is an entry in ClinVar:

NM_006186.4(NR4A2):c.325del (p.Gln109fs)

Gene: NR4A2 (nuclear receptor subfamily 4 group A member 2; minus strand). Cytogenetic location: 2q24.1.
Variant type: Deletion.
Coding change: c.325del on transcript NM_006186.4 (MANE Select); coding-DNA position 325, one base deleted (C; older notation c.325delC).
Protein change: p.Gln109fs; shifts the reading frame from glutamine 109.
Molecular consequence: frameshift variant.
Genome position (GRCh38, 1-based): chr2:156,329,862, G deleted on the plus strand (C on the coding strand, the reverse complement: NR4A2 is on the minus strand); the first of 7 consecutive G bases (chr2:156,329,862-156,329,868); deleting any one gives the same sequence. VCF-style (leftmost placement, unchanged base first): chr2-156329861-TG-T. GRCh37 (hg19) VCF-style: chr2-157186373-TG-T.
Other names: c.136del, p.Gln46fs (NM_173173.3); short protein forms Q109fs, Q46fs.
Identifiers: ClinVar variation 2443341 (VCV002443341.2), dbSNP rs774629025, ClinGen allele CA429727835.

ClinVar aggregate classification (germline): Pathogenic/Likely pathogenic. Review status: criteria provided, multiple submitters, no conflicts (2 of 4 stars). 2 submissions from 2 submitters: Pathogenic (1); Likely pathogenic (1). Last evaluated 2025-09-24.

Conditions:
Intellectual developmental disorder with language impairment and early-onset DOPA-responsive dystonia-parkinsonism (IDLDP). Identifiers: Orphanet 660017, MedGen C5677001, MONDO:0859257, OMIM 619911.

Submissions (2):

Variantyx, Inc.
Classification: Pathogenic for Intellectual developmental disorder with language impairment and early-onset DOPA-responsive dystonia-parkinsonism. Last evaluated: 2025-09-24. Review status: criteria provided, single submitter. Criteria: Variantyx Assertion Criteria 2022. Collection method: clinical testing. Allele origin: de novo. Inheritance: Autosomal dominant inheritance. Affected: yes.
Comment: This is a frameshift variant in the NR4A2 gene (OMIM: 601828). Pathogenic variants in this gene have been associated with autosomal dominant intellectual developmental disorder with language impairment and early onset dopa responsive dystonia parkinsonism. This variant introduces a premature termination codon in exon 3 out of 8 and is expected to result in loss of function, which is a known disease mechanism for NR4A2 in this disorder (PMID:31428396) (PVS1). This variant is absent from control populations (PM2). Based on the current evidence, this variant is classified as pathogenic for autosomal dominant intellectual developmental disorder with language impairment and early onset dopa responsive dystonia parkinsonism.

Equipe Genetique des Anomalies du Developpement, Université de Bourgogne
Classification: Likely pathogenic for Intellectual developmental disorder with language impairment and early-onset DOPA-responsive dystonia-parkinsonism. Last evaluated: 2022-02-11. Review status: criteria provided, single submitter. Criteria: ACMG Guidelines, 2015. Collection method: research. Allele origin: unknown. Affected: yes.

Literature cited by the submitters: PubMed 31428396 (cited by Variantyx, Inc.).